The following is an entry in ClinVar:

NM_001378778.1(MPDZ):c.3245C>T (p.Pro1082Leu)

Gene: MPDZ (multiple PDZ domain crumbs cell polarity complex component; minus strand). Cytogenetic location: 9p23.
Variant type: single nucleotide variant.
Coding change: c.3245C>T on transcript NM_001378778.1 (MANE Select); coding-DNA position 3245, C replaced by T.
Protein change: p.Pro1082Leu; replaces proline 1082 with leucine.
Molecular consequence: missense variant.
Genome position (GRCh38, 1-based): chr9:13,168,375, G>A on the plus strand (C>T on the coding strand, the complement: MPDZ is on the minus strand). VCF-style: chr9-13168375-G-A. GRCh37 (hg19) VCF-style: chr9-13168374-G-A.
Other names: c.3245C>T, p.Pro1082Leu (NM_001261406.2, NM_001261407.2, NM_001330637.2 and 14 more transcripts); short protein forms P1082L.
Identifiers: ClinVar variation 1524659 (VCV001524659.6), dbSNP rs2133898031, ClinGen allele CA372933431.

ClinVar aggregate classification (germline): Uncertain significance (1 of 4 stars; one submission).

Submission:

Labcorp Genetics (formerly Invitae), Labcorp
Classification: Uncertain significance. Last evaluated: 2025-07-31. Review status: criteria provided, single submitter. Criteria: Invitae Variant Classification Sherloc (09022015). Collection method: clinical testing. Allele origin: germline.
Comment: This sequence change replaces proline, which is neutral and non-polar, with leucine, which is neutral and non-polar, at codon 1082 of the MPDZ protein (p.Pro1082Leu). This variant is not present in population databases (gnomAD no frequency). This variant has not been reported in the literature in individuals affected with MPDZ-related conditions. ClinVar contains an entry for this variant (Variation ID: 1524659). An algorithm developed to predict the effect of missense changes on protein structure and function (PolyPhen-2) suggests that this variant is likely to be disruptive. In summary, the available evidence is currently insufficient to determine the role of this variant in disease. Therefore, it has been classified as a Variant of Uncertain Significance.